The following is an entry in ClinVar:

NM_018139.3(DNAAF2):c.378_384del (p.Pro127fs)

Gene: DNAAF2 (dynein axonemal assembly factor 2; minus strand). Cytogenetic location: 14q21.3.
Variant type: Deletion.
Coding change: c.378_384del on transcript NM_018139.3 (MANE Select); coding-DNA positions 378 to 384, 7 bases deleted (GCCCGGC; older notation c.378_384delGCCCGGC).
Protein change: p.Pro127fs; shifts the reading frame from proline 127.
Molecular consequence: frameshift variant.
Genome position (GRCh38, 1-based): chr14:49,634,766-49,634,772, GCCGGGC deleted on the plus strand (GCCCGGC on the coding strand, the reverse complement: DNAAF2 is on the minus strand); deleting any 7 consecutive bases within chr14:49,634,766-49,634,775 gives the same sequence; the c. name uses the placement nearest the transcript's 3' end. VCF-style (leftmost placement, unchanged base first): chr14-49634765-GGCCGGGC-G. GRCh37 (hg19) VCF-style: chr14-50101483-GGCCGGGC-G.
Other names: c.378_384del, p.Pro127fs (NM_001083908.2); short protein forms P127fs.
Identifiers: ClinVar variation 4780671 (VCV004780671.1).

ClinVar aggregate classification (germline): Pathogenic (1 of 4 stars; one submission).

Conditions:
Primary ciliary dyskinesia. Also called: Ciliary dyskinesia. Identifiers: Orphanet 244, MedGen C0008780, MONDO:0016575, HP:0012265.

Submission:

Labcorp Genetics (formerly Invitae), Labcorp
Classification: Pathogenic for Primary ciliary dyskinesia. Last evaluated: 2025-03-24. Review status: criteria provided, single submitter. Criteria: Invitae Variant Classification Sherloc (09022015). Collection method: clinical testing. Allele origin: germline.
Comment: This sequence change creates a premature translational stop signal (p.Pro127Alafs*50) in the DNAAF2 gene. It is expected to result in an absent or disrupted protein product. Loss-of-function variants in DNAAF2 are known to be pathogenic (PMID: 19052621, 24498942). This variant is not present in population databases (gnomAD no frequency). This variant has not been reported in the literature in individuals affected with DNAAF2-related conditions. For these reasons, this variant has been classified as Pathogenic.

Literature cited by the submitters: PubMed 19052621; PubMed 24498942.